The following is an entry in ClinVar:

NM_003924.4(PHOX2B):c.726A>G (p.Ala242=)

Genes: PHOX2B (paired like homeobox 2B; minus strand), LOC110011216 (paired like homeobox 2b polyalanine repeat instability region; plus strand). Cytogenetic location: 4p13.
Variant type: single nucleotide variant.
Coding change: c.726A>G on transcript NM_003924.4 (MANE Select); coding-DNA position 726, A replaced by G.
Protein change: p.Ala242=; no amino-acid change (alanine 242 retained).
Molecular consequence: synonymous variant.
Genome position (GRCh38, 1-based): chr4:41,746,026, T>C on the plus strand (A>G on the coding strand, the complement: PHOX2B is on the minus strand). VCF-style: chr4-41746026-T-C. GRCh37 (hg19) VCF-style: chr4-41748043-T-C.
Identifiers: ClinVar variation 227845 (VCV000227845.35), dbSNP rs757355779, ClinGen allele CA2901452.
Genomic context (GRCh38, chr4:41,746,026, plus strand): 5'-GCCTCCAGCTGCCGCCGCTGCCGCTGCCGCCGCCGCCGCTGCCGCGGCCGCCGCCGCTGC[T>C]GCTGCGCCGCCCTTGCCGGGTTCGCCTCCCGGGCCCCCGGGCCCCGCCGCCCCCGGAGCT-3'
Protein context (NP_003915.2, residues 232-252): PGGEPGKGGA[Ala242=]AAAAAAAAAA

ClinVar aggregate classification (germline): Benign/Likely benign. Review status: criteria provided, multiple submitters, no conflicts (2 of 4 stars). 10 submissions from 9 submitters: Benign (4); Likely benign (6). Last evaluated 2026-01-26.

Conditions:
Hereditary cancer-predisposing syndrome. Also called: Tumor predisposition; Hereditary neoplastic syndrome; Neoplastic Syndromes, Hereditary; Hereditary Cancer Syndrome. Identifiers: Orphanet 140162, MedGen C0027672, MeSH D009386, MONDO:0015356.
Haddad syndrome (OHD). Also called: Ondine-Hirschsprung disease. Identifiers: Orphanet 99803, MedGen C1859049, MONDO:0020493.
Neuroblastoma, susceptibility to, 2. Identifiers: Orphanet 635, MedGen C2751682, MONDO:0700041, OMIM 613013.
Congenital central hypoventilation. Also called: Congenital Central Hypoventilation Syndrome. Identifiers: Orphanet 661, Orphanet 99803, MedGen C1275808, MONDO:0800031. Disease mechanism: gain of function.

Allele frequency attached by ClinVar (database versions not stated): gnomAD exomes 0.00014 and 0.00039; ExAC 0.00078; 1000 Genomes Project 30x 0.00359; gnomAD 0.00426 and 0.00466; TOPMed 0.00462.
gnomAD v4.1: 1,057 of 1,180,512 alleles (0.09%); highest among the groups gnomAD compares: African/African-American, 1.5%; 9 homozygotes.

Submissions (10):

Labcorp Genetics (formerly Invitae), Labcorp
Classification: Benign for Haddad syndrome. Last evaluated: 2026-01-26. Review status: criteria provided, single submitter. Criteria: Invitae Variant Classification Sherloc (09022015). Collection method: clinical testing. Allele origin: germline.

Women's Health and Genetics/Laboratory Corporation of America, LabCorp
Classification: Likely benign. Last evaluated: 2025-10-07. Review status: criteria provided, single submitter. Criteria: LabCorp Variant Classification Summary - May 2015. Collection method: clinical testing. Allele origin: germline.

Blueprint Genetics
Classification: Likely benign. Last evaluated: 2024-11-25. Review status: criteria provided, single submitter. Criteria: ACMG Guidelines, 2015. Collection method: clinical testing. Allele origin: germline.

GeneDx
Classification: Benign. Last evaluated: 2020-03-30. Review status: criteria provided, single submitter. Criteria: GeneDx Variant Classification Process June 2021. Collection method: clinical testing. Allele origin: germline. Affected: yes.
Comment: This variant is associated with the following publications: (PMID: 16830328)

Illumina Laboratory Services, Illumina
Classification: Likely benign for Neuroblastoma, susceptibility to, 2. Last evaluated: 2018-03-08. Review status: criteria provided, single submitter. Criteria: ICSL Variant Classification Criteria 13 December 2019. Collection method: clinical testing. Allele origin: germline.
Comment: This variant was observed as part of a predisposition screen in an ostensibly healthy population. A literature search was performed for the gene, cDNA change, and amino acid change (where applicable). No publications were found based on this search. Allele frequency data from public databases allowed determination this variant is unlikely to cause disease. Therefore, this variant is classified as likely benign.

Illumina Laboratory Services, Illumina
Classification: Likely benign for Central hypoventilation syndrome, congenital, 1, with or without Hirschsprung disease. Last evaluated: 2018-03-08. Review status: criteria provided, single submitter. Criteria: ICSL Variant Classification Criteria 13 December 2019. Collection method: clinical testing. Allele origin: germline.
Comment: the same text as in the submission from Illumina Laboratory Services, Illumina above.

Eurofins Ntd Llc (ga)
Classification: Likely benign. Last evaluated: 2018-02-23. Review status: criteria provided, single submitter. Criteria: EGL ClinVar v180209 classification definitions. Collection method: clinical testing. Allele origin: germline. Observed: 2 variant alleles, 2 heterozygotes.

Ambry Genetics
Classification: Benign for Hereditary cancer-predisposing syndrome. Last evaluated: 2016-12-01. Review status: criteria provided, single submitter. Criteria: Ambry Variant Classification Scheme 2023. Collection method: clinical testing. Allele origin: germline.

Laboratory for Molecular Medicine, Mass General Brigham Personalized Medicine
Classification: Likely benign. Last evaluated: 2016-02-15. Review status: criteria provided, single submitter. Criteria: LMM Criteria. Collection method: clinical testing. Allele origin: germline. Observed: 1 variant allele.
Comment: p.Ala242Ala in exon 3 of PHOX2B: This variant is not expected to have clinical s ignificance because it does not alter an amino acid residue and is not located w ithin the splice consensus sequence. It has been identified in 1/214 European ch romosomes by the Exome Aggregation Consortium (ExAC. org; dbSNP rs757355779).

PreventionGenetics, part of Exact Sciences
Classification: Benign. Review status: criteria provided, single submitter. Criteria: ACMG Guidelines, 2015. Collection method: clinical testing. Allele origin: germline.